The following is an entry in ClinVar:

ClinVar aggregate classification (germline): Likely benign. Review status: criteria provided, multiple submitters, no conflicts (2 of 4 stars). 3 submissions from 3 submitters: Likely benign (2). 1 of the submissions does not count toward it. Last evaluated 2025-09-23.

Conditions:
GSN-related disorder. Also called: GSN-related condition.
Inborn genetic diseases. Identifiers: MedGen C0950123, MeSH D030342.

Allele frequency attached by ClinVar (database versions not stated): ExAC 0.00006; gnomAD exomes 0.00009; gnomAD 0.00035 and 0.00041.
gnomAD v4.1: 103 of 1,613,886 alleles (0.0064%); highest among the groups gnomAD compares: African/African-American, 0.1%; no homozygotes.

Submissions (3):

Labcorp Genetics (formerly Invitae), Labcorp
Classification: Likely benign. Last evaluated: 2025-09-23. Review status: criteria provided, single submitter. Criteria: Invitae Variant Classification Sherloc (09022015). Collection method: clinical testing. Allele origin: germline.

Ambry Genetics
Classification: Likely benign for Inborn genetic diseases. Last evaluated: 2023-01-24. Review status: criteria provided, single submitter. Criteria: Ambry Variant Classification Scheme 2023. Collection method: clinical testing. Allele origin: germline.

PreventionGenetics, part of Exact Sciences
Classification: Likely benign for GSN-related condition. Last evaluated: 2024-05-14. Review status: no assertion criteria provided. Collection method: clinical testing. Allele origin: germline. Not counted in ClinVar's aggregate classification.
Comment: This variant is classified as likely benign based on ACMG/AMP sequence variant interpretation guidelines (Richards et al. 2015 PMID: 25741868, with internal and published modifications).

NM_198252.3(GSN):c.947C>A (p.Thr316Asn)

Gene: GSN (gelsolin; plus strand). Cytogenetic location: 9q33.2.
Variant type: single nucleotide variant.
Coding change: c.947C>A on transcript NM_198252.3 (MANE Select); coding-DNA position 947, C replaced by A.
Protein change: p.Thr316Asn; replaces threonine 316 with asparagine.
Molecular consequence: missense variant.
Genome position (GRCh38, 1-based): chr9:121,318,466, C>A. VCF-style: chr9-121318466-C-A. GRCh37 (hg19) VCF-style: chr9-124080744-C-A.
Other names: c.1100C>A, p.Thr367Asn (NM_000177.5); c.947C>A, p.Thr316Asn (NM_001127662.2, NM_001127664.2, NM_001127665.2 and 10 more transcripts); c.1055C>A, p.Thr352Asn (NM_001127663.2); c.980C>A, p.Thr327Asn (NM_001127666.2, NM_001127667.2, NM_001353063.2 and 13 more transcripts); c.998C>A, p.Thr333Asn (NM_001258029.2); c.971C>A, p.Thr324Asn (NM_001258030.2); c.1019C>A, p.Thr340Asn (NM_001353076.2); c.293C>A, p.Thr98Asn (NM_001353078.2); and 1 more; short protein forms T316N, T324N, T327N, T333N, T340N, T352N, T367N, T98N.
Identifiers: ClinVar variation 1582340 (VCV001582340.10), dbSNP rs139028645, ClinGen allele CA5221093.
Genomic context (GRCh38, chr9:121,318,466, plus strand): 5'-GCAAGCAGGCAAACACGGAGGAGAGGAAGGCTGCCCTCAAAACAGCCTCTGACTTCATCA[C>A]CAAGATGGACTACCCCAAGCAGACTCAGGTGAGTCTTGGAGGCCAGGTAGGATGGGAAGG-3'
Protein context (NP_937895.1, residues 306-326): AALKTASDFI[Thr316Asn]KMDYPKQTQV